The following is an entry in ClinVar:

NM_001374736.1(DST):c.22850G>T (p.Arg7617Leu)

Gene: DST (dystonin; minus strand). Cytogenetic location: 6p12.1.
Variant type: single nucleotide variant.
Coding change: c.22850G>T on transcript NM_001374736.1 (MANE Select); coding-DNA position 22850, G replaced by T.
Protein change: p.Arg7617Leu; replaces arginine 7617 with leucine.
Molecular consequence: missense variant.
Genome position (GRCh38, 1-based): chr6:56,463,674, C>A on the plus strand (G>T on the coding strand, the complement: DST is on the minus strand). VCF-style: chr6-56463674-C-A. GRCh37 (hg19) VCF-style: chr6-56328472-C-A.
Other names: c.16421G>T, p.Arg5474Leu (NM_001144769.5); c.16007G>T, p.Arg5336Leu (NM_001144770.2); c.22778G>T, p.Arg7593Leu (NM_001374722.1); c.21890G>T, p.Arg7297Leu (NM_001374729.1); c.15632G>T, p.Arg5211Leu (NM_001374730.1); c.22805G>T, p.Arg7602Leu (NM_001374734.1); c.15869G>T, p.Arg5290Leu (NM_001386100.1); c.14909G>T, p.Arg4970Leu (NM_015548.5); and 1 more; short protein forms R4970L, R7593L, R7602L, R5290L, R5296L, R5336L, R5474L, R5211L.
Identifiers: ClinVar variation 1927089 (VCV001927089.5), dbSNP rs765310351, ClinGen allele CA364504926.

ClinVar aggregate classification (germline): Uncertain significance (1 of 4 stars; one submission).

Conditions:
Epidermolysis bullosa simplex 3, localized or generalized intermediate, with BP230 deficiency (EBS3). Also called: Epidermolysis bullosa simplex due to BP230 deficiency; Epidermolysis bullosa simplex, autosomal recessive 2. Identifiers: Orphanet 412181, MedGen C3809470, MONDO:0014180, OMIM 615425.
Hereditary sensory and autonomic neuropathy type 6. Also called: Neuropathy, hereditary sensory and autonomic, type VI; HSAN VI. Identifiers: Orphanet 314381, MedGen C3539003, MONDO:0013839, OMIM 614653.

gnomAD v4.1: 7 of 1,613,846 alleles (0.00043%); highest among the groups gnomAD compares: Non-Finnish European, 0.00059%; no homozygotes.

Submission:

Labcorp Genetics (formerly Invitae), Labcorp
Classification: Uncertain significance for Epidermolysis bullosa simplex 3, localized or generalized intermediate, with BP230 deficiency; Hereditary sensory and autonomic neuropathy type 6. Last evaluated: 2022-05-20. Review status: criteria provided, single submitter. Criteria: Invitae Variant Classification Sherloc (09022015). Collection method: clinical testing. Allele origin: germline.
Comment: Experimental studies and prediction algorithms are not available or were not evaluated, and the functional significance of this variant is currently unknown. In summary, the available evidence is currently insufficient to determine the role of this variant in disease. Therefore, it has been classified as a Variant of Uncertain Significance. This variant has not been reported in the literature in individuals affected with DST-related conditions. This variant is not present in population databases (gnomAD no frequency). This sequence change replaces arginine, which is basic and polar, with leucine, which is neutral and non-polar, at codon 4970 of the DST protein (p.Arg4970Leu). The DST gene has multiple clinically relevant transcripts. This variant occurs in alternate transcript NM_015548.4, and corresponds to NM_001723.5:c.*151843G>T in the primary transcript.